The following is an entry in ClinVar:

ClinVar aggregate classification (germline): Likely benign (1 of 4 stars; one submission).

gnomAD v4.1: 2,990 of 1,613,784 alleles (0.19%); highest among the groups gnomAD compares: Non-Finnish European, 0.21%; 7 homozygotes.

Submission:

CeGaT Center for Human Genetics Tuebingen
Classification: Likely benign. Last evaluated: 2026-07-01. Review status: criteria provided, single submitter. Criteria: CeGaT Center For Human Genetics Tuebingen Variant Classification Criteria Version 2. Collection method: clinical testing. Allele origin: germline. Affected: yes. Observed: 3 variant alleles.
Comment: PRKG1: BS1

NM_006258.4(PRKG1):c.593-105699A>C

Genes: CSTF2T (cleavage stimulation factor subunit 2 tau variant; minus strand), PRKG1 (protein kinase cGMP-dependent 1; plus strand). Cytogenetic location: 10q21.1.
Variant type: single nucleotide variant.
Coding change: c.593-105699A>C on transcript NM_006258.4 (MANE Select); 105699 bases into the intron before coding-DNA position 593, A replaced by C.
Molecular consequence: intron variant. On other transcripts: missense variant (1).
Genome position (GRCh38, 1-based): chr10:51,698,886, A>C. VCF-style: chr10-51698886-A-C. GRCh37 (hg19) VCF-style: chr10-53458646-A-C.
Other names: c.664T>G, p.Cys222Gly (NM_015235.3); c.548-105699A>C (NM_001098512.3); c.593-105699A>C (NM_001374782.1); short protein forms C222G.
Identifiers: ClinVar variation 4872020 (VCV004872020.2).
Genomic context (GRCh38, chr10:51,698,886, plus strand): 5'-AATGCTGAGGCTGAGGAGCTGGAGGATTCTGCTGGTTCAGCAGAACATTAGGTCCTGGGC[A>C]GAGCCCAGGGCCAGGGCCAGGGCCAGGGCCAGAGACAGACACAGACTGAGATTTGCCTGG-3'